The following is an entry in ClinVar:

NM_173728.4(ARHGEF15):c.2324G>A (p.Arg775Gln)

Gene: ARHGEF15 (Rho guanine nucleotide exchange factor 15; plus strand). Cytogenetic location: 17p13.1.
Variant type: single nucleotide variant.
Coding change: c.2324G>A on transcript NM_173728.4 (MANE Select); coding-DNA position 2324, G replaced by A.
Protein change: p.Arg775Gln; replaces arginine 775 with glutamine.
Molecular consequence: missense variant.
Genome position (GRCh38, 1-based): chr17:8,319,553, G>A. VCF-style: chr17-8319553-G-A. GRCh37 (hg19) VCF-style: chr17-8222871-G-A.
Other names: c.2324G>A, p.Arg775Gln (NM_025014.2); c.2324G>A (NM_173728.3); short protein forms R775Q.
Identifiers: ClinVar variation 1360947 (VCV001360947.10), dbSNP rs201103318, ClinGen allele CA8375502.
Genomic context (GRCh38, chr17:8,319,553, plus strand): 5'-AACCAGACTGTTCCCAGGAACTGTGTTCAGAGTCGTCTGCACCTGCCAAGACTGAAGGAC[G>A]GAGTCTGGAGTCCAGGGCTGCCCCCAAACACCTGCACAAGACCCCTGAAGGTGAGAAAGT-3'
Protein context (NP_776089.2, residues 765-785): ESSAPAKTEG[Arg775Gln]SLESRAAPKH

ClinVar aggregate classification (germline): Conflicting classifications of pathogenicity. Review status: criteria provided, conflicting classifications (1 of 4 stars). 2 submissions from 2 submitters: Uncertain significance (1); Likely benign (1). Last evaluated 2025-09-09.

Conditions:
Early-infantile DEE. Also called: Early infantile epileptic encephalopathy; Ohtahara syndrome; Early infantile epileptic encephalopathy with suppression bursts. Identifiers: Orphanet 1934, MedGen C0393706, MONDO:0800491.

Allele frequency attached by ClinVar (database versions not stated): gnomAD 0.00002; gnomAD exomes 0.00002; ExAC 0.00003; TOPMed 0.00003.
gnomAD v4.1: 48 of 1,611,020 alleles (0.003%); highest among the groups gnomAD compares: East Asian, 0.027%; no homozygotes.

Submissions (2):

Ambry Genetics
Classification: Likely benign. Last evaluated: 2025-09-09. Review status: criteria provided, single submitter. Criteria: Ambry Variant Classification Scheme 2023. Collection method: clinical testing. Allele origin: germline.

Labcorp Genetics (formerly Invitae), Labcorp
Classification: Uncertain significance for Early-infantile DEE. Last evaluated: 2024-11-08. Review status: criteria provided, single submitter. Criteria: Invitae Variant Classification Sherloc (09022015). Collection method: clinical testing. Allele origin: germline.
Comment: This sequence change replaces arginine, which is basic and polar, with glutamine, which is neutral and polar, at codon 775 of the ARHGEF15 protein (p.Arg775Gln). This variant is present in population databases (rs201103318, gnomAD 0.005%). This variant has not been reported in the literature in individuals affected with ARHGEF15-related conditions. ClinVar contains an entry for this variant (Variation ID: 1360947). An algorithm developed to predict the effect of missense changes on protein structure and function outputs the following: PolyPhen-2: "Benign". The glutamine amino acid residue is found in multiple mammalian species, which suggests that this missense change does not adversely affect protein function. In summary, the available evidence is currently insufficient to determine the role of this variant in disease. Therefore, it has been classified as a Variant of Uncertain Significance.